The following is an entry in ClinVar:

NM_000492.4(CFTR):c.1175T>C (p.Val392Ala)

Gene: CFTR (CF transmembrane conductance regulator; plus strand). Cytogenetic location: 7q31.2.
Variant type: single nucleotide variant.
Coding change: c.1175T>C on transcript NM_000492.4 (MANE Select); coding-DNA position 1175, T replaced by C.
Protein change: p.Val392Ala; replaces valine 392 with alanine.
Molecular consequence: missense variant.
Genome position (GRCh38, 1-based): chr7:117,542,074, T>C. VCF-style: chr7-117542074-T-C. GRCh37 (hg19) VCF-style: chr7-117182128-T-C.
Other names: short protein forms V392A.
Identifiers: ClinVar variation 53206 (VCV000053206.6), dbSNP rs397508170, ClinGen allele CA326422.
Genomic context (GRCh38, chr7:117,542,074, plus strand): 5'-AGGATTTCTTACAAAAGCAAGAATATAAGACATTGGAATATAACTTAACGACTACAGAAG[T>C]AGTGATGGAGAATGTAACAGCCTTCTGGGAGGAGGTCAGAATTTTTAAAAAATTGTTTGC-3'
Protein context (NP_000483.3, residues 382-402): TLEYNLTTTE[Val392Ala]VMENVTAFWE

ClinVar aggregate classification (germline): Uncertain significance. Review status: criteria provided, multiple submitters, no conflicts (2 of 4 stars). 3 submissions from 3 submitters: Uncertain significance (2). 1 of the submissions does not count toward it. Last evaluated 2023-05-24.

Conditions:
CFTR-related disorder (CFTR-RD). Also called: CFTR-related disorders; CFTR-related condition. Identifiers: MedGen C5924204, MONDO:7770004.
Cystic fibrosis (CF). Also called: MUCOVISCIDOSIS. Identifiers: Orphanet 586, MedGen C0010674, MONDO:0009061, OMIM 219700. Disease mechanism: loss of function.

Submissions (3):

Women's Health and Genetics/Laboratory Corporation of America, LabCorp
Classification: Uncertain significance. Last evaluated: 2023-05-24. Review status: criteria provided, single submitter. Criteria: LabCorp Variant Classification Summary - May 2015. Collection method: clinical testing. Allele origin: germline.
Comment: Variant summary: CFTR c.1175T>C (p.Val392Ala) results in a non-conservative amino acid change located in the ATP-binding cassette domain (IPR047082) of the encoded protein sequence. Three of five in-silico tools predict a damaging effect of the variant on protein function. 4/4 computational tools predict no significant impact on normal splicing. However, these predictions have yet to be confirmed by functional studies. The variant was absent in 250960 control chromosomes (gnomAD). The available data on variant occurrences in the general population are insufficient to allow any conclusion about variant significance. c.1175T>C has been reported in the literature in at least one compound heterozygous individual affected with Congenital Bilateral Absence Of The Vas Deferens, in trans with the F508del variant (e.g., Chen_2001, Dorfman_2010, SickKids Cystic Fibrosis Mutation Database). These data do not allow any conclusion about variant significance. To our knowledge, no experimental evidence demonstrating an impact on protein function has been reported. The following publications have been ascertained in the context of this evaluation (PMID: 11504857, 20059485, 35913788). One ClinVar submitter (evaluation after 2014) has cited the variant and classified it as uncertain significance. Based on the evidence outlined above, the variant was classified as uncertain significance.

Illumina Laboratory Services, Illumina
Classification: Uncertain significance for CFTR-related disorders. Last evaluated: 2019-10-18. Review status: criteria provided, single submitter. Criteria: ICSLVariantClassificationCriteria RUGD 01 April 2020. Collection method: clinical testing. Allele origin: unknown.
Comment: The CFTR c.1175T>C (p.Val392Ala) variant is a missense variant. The p.Val392Ala variant is described in one study on the use of in silico tools to predict clinical consequences of variants in the CFTR gene as being associated with CFTR-related disorders (Dorfman et al. 2017). Control data are unavailable for this variant which is not found in the Genome Aggregation Database despite good sequence coverage, so the variant is presumed to be rare. Based on the limited evidence, the p.Val293Ala variant is classified as a variant of unknown significance for CFTR-related disorders.

ClinVar Staff, National Center for Biotechnology Information (NCBI)
No classification provided. Condition: CFTR-related disorders. Review status: no classification provided. Collection method: literature only. Allele origin: germline. Affected: yes. Not counted in ClinVar's aggregate classification.

Literature cited by the submitters: PubMed 20059485 (cited by 3 submitters); PubMed 11504857 (cited by Women's Health and Genetics/Laboratory Corporation of America, LabCorp); PubMed 35913788 (cited by Women's Health and Genetics/Laboratory Corporation of America, LabCorp).